The following is an entry in ClinVar:

NM_001999.4(FBN2):c.8193C>T (p.Gly2731=)

Gene: FBN2 (fibrillin 2; minus strand). Cytogenetic location: 5q23.3.
Variant type: single nucleotide variant.
Coding change: c.8193C>T on transcript NM_001999.4 (MANE Select); coding-DNA position 8193, C replaced by T.
Protein change: p.Gly2731=; no amino-acid change (glycine 2731 retained).
Molecular consequence: synonymous variant.
Genome position (GRCh38, 1-based): chr5:128,261,907, G>A on the plus strand (C>T on the coding strand, the complement: FBN2 is on the minus strand). VCF-style: chr5-128261907-G-A. GRCh37 (hg19) VCF-style: chr5-127597599-G-A.
Identifiers: ClinVar variation 2013057 (VCV002013057.4), dbSNP rs2479606585, ClinGen allele CA446305721.
Genomic context (GRCh38, chr5:128,261,907, plus strand): 5'-GACCTCTGTATCCAGTGACAGGTACTGCCCCTTGTTAAATCCCATTCCTGAGACACAGTG[G>A]CTATTTGCAAAAAGCAAAGTATTGTTAGACTTTATCACTGACTTGACCATAGTTTTCCAG-3'
Protein context (NP_001990.2, residues 2721-2741): CPPGYYRVGQ[Gly2731=]HCVSGMGFNK

ClinVar aggregate classification (germline): Uncertain significance (1 of 4 stars; one submission).

Conditions:
Congenital contractural arachnodactyly (CCA). Also called: Beals-Hecht syndrome; BEALS SYNDROME; Arthrogryposis, distal, type 9. Identifiers: Orphanet 115, MedGen C0220668, MONDO:0007363, OMIM 121050.

Allele frequency attached by ClinVar (database versions not stated): gnomAD exomes below 0.00001.
gnomAD v4.1: 2 of 1,613,654 alleles (0.00012%); highest among the groups gnomAD compares: Non-Finnish European, 0.000085%; no homozygotes.

Submission:

Labcorp Genetics (formerly Invitae), Labcorp
Classification: Uncertain significance for Congenital contractural arachnodactyly. Last evaluated: 2023-01-04. Review status: criteria provided, single submitter. Criteria: Invitae Variant Classification Sherloc (09022015). Collection method: clinical testing. Allele origin: germline.
Comment: In summary, the available evidence is currently insufficient to determine the role of this variant in disease. Therefore, it has been classified as a Variant of Uncertain Significance. Algorithms developed to predict the effect of sequence changes on RNA splicing suggest that this variant is not likely to affect RNA splicing. This variant has not been reported in the literature in individuals affected with FBN2-related conditions. This variant is not present in population databases (gnomAD no frequency). This sequence change affects codon 2731 of the FBN2 mRNA. It is a 'silent' change, meaning that it does not change the encoded amino acid sequence of the FBN2 protein. It affects a nucleotide within the consensus splice site.